The following is an entry in ClinVar:

NM_004380.3(CREBBP):c.5683C>T (p.Gln1895Ter)

Gene: CREBBP (CREB binding lysine acetyltransferase; minus strand). Cytogenetic location: 16p13.3.
Variant type: single nucleotide variant.
Coding change: c.5683C>T on transcript NM_004380.3 (MANE Select); coding-DNA position 5683, C replaced by T.
Protein change: p.Gln1895Ter; replaces glutamine 1895 with a stop codon.
Molecular consequence: nonsense.
Genome position (GRCh38, 1-based): chr16:3,729,364, G>A on the plus strand (C>T on the coding strand, the complement: CREBBP is on the minus strand). VCF-style: chr16-3729364-G-A. GRCh37 (hg19) VCF-style: chr16-3779365-G-A.
Other names: c.5569C>T, p.Gln1857Ter (NM_001079846.1); short protein forms Q1857*, Q1895*.
Identifiers: ClinVar variation 1805907 (VCV001805907.3), dbSNP rs2151309006, ClinGen allele CA394555756.

ClinVar aggregate classification (germline): Pathogenic (1 of 4 stars; one submission).

Conditions:
Rubinstein-Taybi syndrome due to CREBBP mutations (RSTS1). Also called: RUBINSTEIN-TAYBI SYNDROME 1, INCOMPLETE; BROAD THUMB-HALLUX SYNDROME; CREBBP-Related Rubinstein-Taybi Syndrome; RUBINSTEIN SYNDROME; Rubinstein-Taybi syndrome 1; BROAD THUMBS AND GREAT TOES, CHARACTERISTIC FACIES, AND IMPAIRED INTELLECTUAL DEVELOPMENT. Identifiers: Orphanet 353277, Orphanet 783, MedGen C4551859, MONDO:0008393, OMIM 180849.

Allele frequency attached by ClinVar (database versions not stated): gnomAD exomes below 0.00001.
gnomAD v4.1: 1 of 1,606,992 alleles (0.000062%); no homozygotes.

Submission:

Victorian Clinical Genetics Services, Murdoch Childrens Research Institute
Classification: Pathogenic for Rubinstein-Taybi syndrome due to CREBBP mutations. Last evaluated: 2026-02-25. Review status: criteria provided, single submitter. Criteria: ACMG Guidelines, 2015. Collection method: clinical testing. Allele origin: germline. Affected: yes.
Comment: This variant is classified as Pathogenic. Evidence in support of pathogenic classification: Variant is predicted to result in a truncated protein (premature termination codon is NOT located at least 54 nucleotides upstream of the final exon-exon junction) with less than 1/3 of the protein sequence affected; Variant is present in gnomAD <0.001 for a dominant condition (v4: 1 heterozygote(s), 0 homozygote(s)); Other truncating variants comparable to the one identified in this case have very strong previous evidence for pathogenicity. Many truncating variants downstream of this one have been reported as pathogenic (ClinVar). Additional information: This variant is heterozygous; This gene is associated with autosomal dominant disease; Variant is predicted to truncate all of the Creb_binding domain (DECIPHER); Loss of function is a known mechanism of disease in this gene and is associated with Menke-Hennekam syndrome 1 (MIM#618332) and Rubinstein-Taybi syndrome 1 (MIM#180849); Inheritance information for this variant is not currently available in this individual.